The following is an entry in ClinVar:

NM_001300781.2(HELT):c.390G>A (p.Ala130=)

Gene: HELT (helt bHLH transcription factor; plus strand). Cytogenetic location: 4q35.1.
Variant type: single nucleotide variant.
Coding change: c.390G>A on transcript NM_001300781.2 (MANE Select); coding-DNA position 390, G replaced by A.
Protein change: p.Ala130=; no amino-acid change (alanine 130 retained).
Molecular consequence: synonymous variant.
Genome position (GRCh38, 1-based): chr4:185,020,433, G>A. VCF-style: chr4-185020433-G-A. GRCh37 (hg19) VCF-style: chr4-185941587-G-A.
Other names: c.387G>A, p.Ala129= (NM_001300782.2).
Identifiers: ClinVar variation 3389991 (VCV003389991.14).
Genomic context (GRCh38, chr4:185,020,433, plus strand): 5'-CAAGGACACGAAGTACGCGCGCATCCTCGCCTTCTTGCAGTCCAAGGCCCGCCTGGGCGC[G>A]GAGCCCGCCTTTCCGCCGCTGGGTTCGCTCCCGGAGCCGGATTTCTCCTATCAGCTGCAC-3'
Protein context (NP_001287710.1, residues 120-140): AFLQSKARLG[Ala130=]EPAFPPLGSL

ClinVar aggregate classification (germline): Likely benign (1 of 4 stars; one submission).

gnomAD v4.1: 2 of 1,614,130 alleles (0.00012%); highest among the groups gnomAD compares: Admixed American, 0.0017%; no homozygotes.

Submission:

CeGaT Center for Human Genetics Tuebingen
Classification: Likely benign. Last evaluated: 2024-10-01. Review status: criteria provided, single submitter. Criteria: CeGaT Center For Human Genetics Tuebingen Variant Classification Criteria Version 2. Collection method: clinical testing. Allele origin: germline. Affected: yes. Observed: 1 variant allele.
Comment: HELT: BP4, BP7